The following is an entry in ClinVar:

ClinVar aggregate classification (germline): Pathogenic/Likely pathogenic. Review status: criteria provided, multiple submitters, no conflicts (2 of 4 stars). 2 submissions from 2 submitters: Pathogenic (1); Likely pathogenic (1). Last evaluated 2025-11-04.

Conditions:
Glutamate pyruvate transaminase 2 deficiency (NEDSPM). Also called: Neurodevelopmental disorder with microcephaly and spastic paraplegia. Identifiers: Orphanet 477673, MedGen C4225388, MONDO:0014567, OMIM 616281.

Submissions (2):

Women's Health and Genetics/Laboratory Corporation of America, LabCorp
Classification: Pathogenic for Glutamate pyruvate transaminase 2 deficiency. Last evaluated: 2025-11-04. Review status: criteria provided, single submitter. Criteria: LabCorp Variant Classification Summary - May 2015. Collection method: clinical testing. Allele origin: germline.
Comment: Variant summary: GPT2 c.22_35del14 (p.Val8TrpfsX120) results in a premature termination codon, predicted to cause a truncation of the encoded protein or absence of the protein due to nonsense mediated decay, which are commonly known mechanisms for disease. The variant was absent in 108236 control chromosomes. To our knowledge, no occurrence of c.22_35del14 in individuals affected with GPT2-related conditions and no experimental evidence demonstrating its impact on protein function have been reported. ClinVar contains an entry for this variant (Variation ID: 4057298). Based on the evidence outlined above, the variant was classified as pathogenic.

Diagnostics Services (NGS), CSIR - Centre For Cellular And Molecular Biology
Classification: Likely pathogenic for Glutamate pyruvate transaminase 2 deficiency. Last evaluated: 2025-05-07. Review status: criteria provided, single submitter. Criteria: ACMG Guidelines, 2015. Collection method: clinical testing. Allele origin: germline. Affected: yes. Observed: 1 variant allele, 1 homozygote.
Comment: The c.22_35del variant is not present in publicly available population databases like 1000 Genomes, EVS, gnomAD, Indian Exome Database or our internal database. The variant has neither been observed in individuals affected with GPT2-related conditions nor reported to any clinical databases like Human Genome Mutation Database (HGMD), OMIM or ClinVar, in any affected individuals. In-silico pathogenicity prediction programs like MutationTaster2021, CADD, Franklin, Varsome etc., predicted this variant to be likely deleterious, however these were not confirmed by any published functional studies. This variant causes frameshift at the 8th amino acid position of the wild-type transcript which creates a premature translational stop signal at the altered transcript that may either result in translation of a truncated protein or cause nonsense-mediated decay of the mRNA.

NM_133443.4(GPT2):c.22_35del (p.Val8fs)

Gene: GPT2 (glutamic--pyruvic transaminase 2; plus strand). Cytogenetic location: 16q11.2.
Variant type: Deletion.
Coding change: c.22_35del on transcript NM_133443.4 (MANE Select); coding-DNA positions 22 to 35, 14 bases deleted (GTCCGGCGGGGCTG).
Protein change: p.Val8fs; shifts the reading frame from valine 8.
Molecular consequence: frameshift variant. On other transcripts: 5 prime UTR variant (1).
Genome position (GRCh38, 1-based): chr16:46,884,737-46,884,750, GTCCGGCGGGGCTG deleted; deleting any 14 consecutive bases within chr16:46,884,733-46,884,750 gives the same sequence; the c. name uses the placement nearest the transcript's 3' end. VCF-style (leftmost placement, unchanged base first): chr16-46884732-CGCTGGTCCGGCGGG-C. GRCh37 (hg19) VCF-style: chr16-46918644-CGCTGGTCCGGCGGG-C.
Other names: c.-763_-750del (NM_001142466.3); c.22_35del14 (NM_133443.4); short protein forms V8fs.
Identifiers: ClinVar variation 4057298 (VCV004057298.2).